The following is an entry in ClinVar:

ClinVar aggregate classification (germline): Uncertain significance (1 of 4 stars; one submission).

Conditions:
Symmetrical dyschromatosis of extremities (DSH). Also called: DYSCHROMATOSIS SYMMETRICA HEREDITARIA 1; RETICULATE ACROPIGMENTATION OF DOHI; SYMMETRIC DYSCHROMATOSIS OF THE EXTREMITIES; Dyschromatosis symmetrica hereditaria. Identifiers: Orphanet 41, MedGen C0406775, MONDO:0007483, OMIM 127400.
Aicardi-Goutieres syndrome 6 (AGS6). Identifiers: Orphanet 51, MedGen C3539013, MONDO:0014007, OMIM 615010.

Submission:

Labcorp Genetics (formerly Invitae), Labcorp
Classification: Uncertain significance for Aicardi-Goutieres syndrome 6; Symmetrical dyschromatosis of extremities. Last evaluated: 2023-10-22. Review status: criteria provided, single submitter. Criteria: Invitae Variant Classification Sherloc (09022015). Collection method: clinical testing. Allele origin: germline.
Comment: This sequence change replaces valine, which is neutral and non-polar, with isoleucine, which is neutral and non-polar, at codon 416 of the ADAR protein (p.Val416Ile). This variant is not present in population databases (gnomAD no frequency). This variant has not been reported in the literature in individuals affected with ADAR-related conditions. Advanced modeling of protein sequence and biophysical properties (such as structural, functional, and spatial information, amino acid conservation, physicochemical variation, residue mobility, and thermodynamic stability) performed at Invitae indicates that this missense variant is not expected to disrupt ADAR protein function. In summary, the available evidence is currently insufficient to determine the role of this variant in disease. Therefore, it has been classified as a Variant of Uncertain Significance.

NM_001111.5(ADAR):c.1246G>A (p.Val416Ile)

Gene: ADAR (adenosine deaminase RNA specific; minus strand). Cytogenetic location: 1q21.3.
Variant type: single nucleotide variant.
Coding change: c.1246G>A on transcript NM_001111.5 (MANE Select); coding-DNA position 1246, G replaced by A.
Protein change: p.Val416Ile; replaces valine 416 with isoleucine.
Molecular consequence: missense variant.
Genome position (GRCh38, 1-based): chr1:154,601,396, C>T on the plus strand (G>A on the coding strand, the complement: ADAR is on the minus strand). VCF-style: chr1-154601396-C-T. GRCh37 (hg19) VCF-style: chr1-154573872-C-T.
Other names: c.361G>A, p.Val121Ile (NM_001025107.3, NM_001193495.2, NM_001365046.1 and 3 more transcripts); c.1273G>A, p.Val425Ile (NM_001365045.1); c.1246G>A, p.Val416Ile (NM_015840.4, NM_015841.4); short protein forms V121I, V416I, V425I.
Identifiers: ClinVar variation 2923395 (VCV002923395.3), dbSNP rs1571107314, ClinGen allele CA342597036.